The following is an entry in ClinVar:

ClinVar aggregate classification (germline): Uncertain significance (1 of 4 stars; one submission).

Allele frequency attached by ClinVar (database versions not stated): gnomAD 0.00001; gnomAD exomes 0.00001.
gnomAD v4.1: 9 of 1,612,414 alleles (0.00056%); highest among the groups gnomAD compares: African/African-American, 0.0013%; no homozygotes.

Submission:

Labcorp Genetics (formerly Invitae), Labcorp
Classification: Uncertain significance. Last evaluated: 2025-12-15. Review status: criteria provided, single submitter. Criteria: Invitae Variant Classification Sherloc (09022015). Collection method: clinical testing. Allele origin: germline.
Comment: This sequence change replaces arginine, which is basic and polar, with cysteine, which is neutral and slightly polar, at codon 689 of the LCT protein (p.Arg689Cys). This variant is present in population databases (no rsID available, gnomAD 0.004%). This variant has not been reported in the literature in individuals affected with LCT-related conditions. ClinVar contains an entry for this variant (Variation ID: 2899932). An algorithm developed to predict the effect of missense changes on protein structure and function (PolyPhen-2) suggests that this variant is likely to be disruptive. In summary, the available evidence is currently insufficient to determine the role of this variant in disease. Therefore, it has been classified as a Variant of Uncertain Significance.

NM_002299.4(LCT):c.2065C>T (p.Arg689Cys)

Gene: LCT (lactase; minus strand). Cytogenetic location: 2q21.3.
Variant type: single nucleotide variant.
Coding change: c.2065C>T on transcript NM_002299.4 (MANE Select); coding-DNA position 2065, C replaced by T.
Protein change: p.Arg689Cys; replaces arginine 689 with cysteine.
Molecular consequence: missense variant.
Genome position (GRCh38, 1-based): chr2:135,812,599, G>A on the plus strand (C>T on the coding strand, the complement: LCT is on the minus strand). VCF-style: chr2-135812599-G-A. GRCh37 (hg19) VCF-style: chr2-136570169-G-A.
Other names: short protein forms R689C.
Identifiers: ClinVar variation 2899932 (VCV002899932.3), dbSNP rs1017501359, ClinGen allele CA56616270.